The following is an entry in ClinVar:

NM_177550.5(SLC13A5):c.608G>A (p.Arg203Lys)

Gene: SLC13A5 (solute carrier family 13 member 5; minus strand). Cytogenetic location: 17p13.1.
Variant type: single nucleotide variant.
Coding change: c.608G>A on transcript NM_177550.5 (MANE Select); coding-DNA position 608, G replaced by A.
Protein change: p.Arg203Lys; replaces arginine 203 with lysine.
Molecular consequence: missense variant.
Genome position (GRCh38, 1-based): chr17:6,703,078, C>T on the plus strand (G>A on the coding strand, the complement: SLC13A5 is on the minus strand). VCF-style: chr17-6703078-C-T. GRCh37 (hg19) VCF-style: chr17-6606397-C-T.
Other names: c.608G>A, p.Arg203Lys (NM_001143838.3); c.557G>A, p.Arg186Lys (NM_001284509.2); c.479G>A, p.Arg160Lys (NM_001284510.2); c.608G>A (NM_177550.3); short protein forms R160K, R186K, R203K.
Identifiers: ClinVar variation 1716394 (VCV001716394.7), dbSNP rs949110880, ClinGen allele CA287395986.

ClinVar aggregate classification (germline): Uncertain significance. Review status: criteria provided, multiple submitters, no conflicts (2 of 4 stars). 2 submissions from 2 submitters: Uncertain significance (2). Last evaluated 2023-02-27.

Conditions:
Inborn genetic diseases. Identifiers: MedGen C0950123, MeSH D030342.
Developmental and epileptic encephalopathy, 25 (DEE25). Also called: Developmental and epileptic encephalopathy 25, with amelogenesis imperfecta; Epileptic encephalopathy, early infantile, 25, with amelogenesis imperfecta; Epileptic encephalopathy, early infantile, 25. Identifiers: Orphanet 442835, MedGen C4014621, MONDO:0014392, OMIM 615905.

Submissions (2):

Ambry Genetics
Classification: Uncertain significance for Inborn genetic diseases. Last evaluated: 2023-02-27. Review status: criteria provided, single submitter. Criteria: Ambry Variant Classification Scheme 2023. Collection method: clinical testing. Allele origin: germline.

Labcorp Genetics (formerly Invitae), Labcorp
Classification: Uncertain significance for Developmental and epileptic encephalopathy, 25. Last evaluated: 2022-07-16. Review status: criteria provided, single submitter. Criteria: Invitae Variant Classification Sherloc (09022015). Collection method: clinical testing. Allele origin: germline.
Comment: In summary, the available evidence is currently insufficient to determine the role of this variant in disease. Therefore, it has been classified as a Variant of Uncertain Significance. Algorithms developed to predict the effect of missense changes on protein structure and function output the following: SIFT: "Tolerated"; PolyPhen-2: "Benign"; Align-GVGD: "Class C0". The lysine amino acid residue is found in multiple mammalian species, which suggests that this missense change does not adversely affect protein function. This variant has not been reported in the literature in individuals affected with SLC13A5-related conditions. This variant is not present in population databases (gnomAD no frequency). This sequence change replaces arginine, which is basic and polar, with lysine, which is basic and polar, at codon 203 of the SLC13A5 protein (p.Arg203Lys).